The following is an entry in ClinVar:

ClinVar aggregate classification (germline): Conflicting classifications of pathogenicity. Review status: criteria provided, conflicting classifications (1 of 4 stars). 8 submissions from 8 submitters: Uncertain significance (4); Likely benign (4). Last evaluated 2026-01-27.

Conditions:
ALG9 congenital disorder of glycosylation (CDG1L). Also called: ALG9-CDG; CONGENITAL DISORDER OF GLYCOSYLATION, TYPE Il; CDG Il. Identifiers: Orphanet 79328, MedGen C2931006, MONDO:0012117, OMIM 608776.
ATP6V0A2-related disorder. Also called: ATP6V0A2-related condition.
Cutis laxa with osteodystrophy (ARCL2A). Also called: CUTIS LAXA WITH CONGENITAL DISORDER OF GLYCOSYLATION; CUTIS LAXA, AUTOSOMAL RECESSIVE, TYPE IIA; Debré-Type Cutis Laxa; Autosomal recessive cutis laxa type 2A; CUTIS LAXA WITH BONE DYSTROPHY; CUTIS LAXA WITH GROWTH AND DEVELOPMENTAL DELAY. Identifiers: Orphanet 357058, MedGen C0268355, MONDO:0018163, OMIM 219200. Disease mechanism: loss of function.
Wrinkly skin syndrome (WSS). Also called: Type of Gerodermia osteodysplastica. Identifiers: Orphanet 2834, MedGen C0406587, MONDO:0010208, OMIM 278250.
Inborn genetic diseases. Identifiers: MedGen C0950123, MeSH D030342.

Allele frequency attached by ClinVar (database versions not stated): ExAC 0.00055; ESP Exome Variant Server 0.00008; gnomAD 0.00025; TOPMed 0.00035.
gnomAD v4.1: 618 of 1,614,074 alleles (0.038%); highest among the groups gnomAD compares: Middle Eastern, 0.89%; 1 homozygote.

Submissions (8):

Labcorp Genetics (formerly Invitae), Labcorp
Classification: Likely benign for ALG9 congenital disorder of glycosylation. Last evaluated: 2026-01-27. Review status: criteria provided, single submitter. Criteria: Invitae Variant Classification Sherloc (09022015). Collection method: clinical testing. Allele origin: germline.

PreventionGenetics, part of Exact Sciences
Classification: Likely benign for ATP6V0A2-related condition. Last evaluated: 2025-02-11. Review status: criteria provided, single submitter. Criteria: ACMG Guidelines, 2015. Collection method: clinical testing. Allele origin: germline.
Comment: This variant is classified as likely benign based on ACMG/AMP sequence variant interpretation guidelines (Richards et al. 2015 PMID: 25741868, with internal and published modifications).

Blueprint Genetics
Classification: Likely benign. Last evaluated: 2024-11-27. Review status: criteria provided, single submitter. Criteria: ACMG Guidelines, 2015. Collection method: clinical testing. Allele origin: germline.

GeneDx
Classification: Likely benign. Last evaluated: 2021-01-12. Review status: criteria provided, single submitter. Criteria: GeneDx Variant Classification Process June 2021. Collection method: clinical testing. Allele origin: germline. Affected: yes.
Comment: This variant is associated with the following publications: (PMID: 24123366)

Ambry Genetics
Classification: Uncertain significance for Inborn genetic diseases. Last evaluated: 2021-01-11. Review status: criteria provided, single submitter. Criteria: Ambry Variant Classification Scheme 2023. Collection method: clinical testing. Allele origin: germline.
Comment: The c.614C>T (p.A205V) alteration is located in exon 6 (coding exon 6) of the ATP6V0A2 gene. This alteration results from a C to T substitution at nucleotide position 614, causing the alanine (A) at amino acid position 205 to be replaced by a valine (V). The p.A205V alteration is predicted to be tolerated by in silico analysis. Based on insufficient or conflicting evidence, the clinical significance of this alteration remains unclear.

Fulgent Genetics
Classification: Uncertain significance for Cutis laxa with osteodystrophy; Wrinkly skin syndrome. Last evaluated: 2018-10-31. Review status: criteria provided, single submitter. Criteria: ACMG Guidelines, 2015. Collection method: clinical testing. Allele origin: unknown.

Illumina Laboratory Services, Illumina
Classification: Uncertain significance for Cutis laxa with osteodystrophy. Last evaluated: 2018-01-12. Review status: criteria provided, single submitter. Criteria: ICSL Variant Classification Criteria 13 December 2019. Collection method: clinical testing. Allele origin: germline.

Genetic Services Laboratory, University of Chicago
Classification: Uncertain significance. Last evaluated: 2016-11-18. Review status: criteria provided, single submitter. Criteria: ACMG Guidelines, 2015. Collection method: clinical testing. Allele origin: germline. Affected: no.

NM_012463.4(ATP6V0A2):c.614C>T (p.Ala205Val)

Gene: ATP6V0A2 (ATPase H+ transporting V0 subunit a2; plus strand). Cytogenetic location: 12q24.31.
Variant type: single nucleotide variant.
Coding change: c.614C>T on transcript NM_012463.4 (MANE Select); coding-DNA position 614, C replaced by T.
Protein change: p.Ala205Val; replaces alanine 205 with valine.
Molecular consequence: missense variant.
Genome position (GRCh38, 1-based): chr12:123,727,875, C>T. VCF-style: chr12-123727875-C-T. GRCh37 (hg19) VCF-style: chr12-124212422-C-T.
Other names: short protein forms A205V.
Identifiers: ClinVar variation 307580 (VCV000307580.24), dbSNP rs143802431, ClinGen allele CA6861676.